The following is an entry in ClinVar:

ClinVar aggregate classification (germline): Uncertain significance (1 of 4 stars; one submission).

Submission:

Women's Health and Genetics/Laboratory Corporation of America, LabCorp
Classification: Uncertain significance. Last evaluated: 2026-06-09. Review status: criteria provided, single submitter. Criteria: LabCorp Variant Classification Summary - May 2015. Collection method: clinical testing. Allele origin: germline.
Comment: Variant summary: The variant involves the duplication of exon 1 in the CIB2 gene. The exact breakpoint at the 5' end of this variant is unknown, therefore this duplication may extend upstream of the annotated region of this gene. It is predicted to duplicate a segment including the initiation codon, therefore its impact on the encoded protein is unknown. A presumed nomenclature of c.(?_-231)_(51+1_52-1)dup has been designated for the purposes of this classification. The variant was absent in 21694 control chromosomes (gnomAD). The available data on variant occurrences in the general population are insufficient to allow any conclusion about variant significance. To our knowledge, no occurrence of c.(?_-231)_(51+1_52-1)dup in individuals affected with CIB2-related conditions and no experimental evidence demonstrating its impact on protein function have been reported. No submitters have cited clinical-significance assessments for this variant to ClinVar. Based on the evidence outlined above, the variant was classified as uncertain significance.

NC_000015.9:g.(78416082_78423506)_(78423788_?)dup

Gene: CIB2 (calcium and integrin binding family member 2; minus strand). Cytogenetic location: 15q25.1.
Variant type: Duplication.
Identifiers: ClinVar variation 4887402 (VCV004887402.1).